The following is an entry in ClinVar:

NM_001939.3(DRP2):c.898G>A (p.Ala300Thr)

Gene: DRP2 (dystrophin related protein 2; plus strand). Cytogenetic location: Xq22.1.
Variant type: single nucleotide variant.
Coding change: c.898G>A on transcript NM_001939.3 (MANE Select); coding-DNA position 898, G replaced by A.
Protein change: p.Ala300Thr; replaces alanine 300 with threonine.
Molecular consequence: missense variant.
Genome position (GRCh38, 1-based): chrX:101,242,394, G>A. VCF-style: chrX-101242394-G-A. GRCh37 (hg19) VCF-style: chrX-100497383-G-A.
Other names: c.664G>A, p.Ala222Thr (NM_001171184.2); short protein forms A222T, A300T.
Identifiers: ClinVar variation 2870083 (VCV002870083.3), dbSNP rs764710041, ClinGen allele CA10472152.

ClinVar aggregate classification (germline): Uncertain significance (1 of 4 stars; one submission).

Allele frequency attached by ClinVar (database versions not stated): gnomAD exomes below 0.00001; ExAC 0.00001; TOPMed 0.00001.
gnomAD v4.1: 3 of 1,211,772 alleles (0.00025%); highest among the groups gnomAD compares: Non-Finnish European, 0.00034%; no homozygotes.

Submission:

Labcorp Genetics (formerly Invitae), Labcorp
Classification: Uncertain significance. Last evaluated: 2025-10-02. Review status: criteria provided, single submitter. Criteria: Invitae Variant Classification Sherloc (09022015). Collection method: clinical testing. Allele origin: germline.
Comment: This sequence change replaces alanine, which is neutral and non-polar, with threonine, which is neutral and polar, at codon 300 of the DRP2 protein (p.Ala300Thr). This variant is present in population databases (rs764710041, gnomAD 0.001%). This variant has not been reported in the literature in individuals affected with DRP2-related conditions. ClinVar contains an entry for this variant (Variation ID: 2870083). An algorithm developed to predict the effect of missense changes on protein structure and function (PolyPhen-2) suggests that this variant is likely to be disruptive. In summary, the available evidence is currently insufficient to determine the role of this variant in disease. Therefore, it has been classified as a Variant of Uncertain Significance.